The following is an entry in ClinVar:

ClinVar aggregate classification (germline): Uncertain significance. Review status: criteria provided, multiple submitters, no conflicts (2 of 4 stars). 3 submissions from 3 submitters: Uncertain significance (3). Last evaluated 2026-04-03.

Conditions:
Cardiovascular phenotype. Identifiers: MedGen CN230736.

Allele frequency attached by ClinVar (database versions not stated): TOPMed 0.00001; gnomAD exomes 0.00001.
gnomAD v4.1: 16 of 1,549,978 alleles (0.001%); highest among the groups gnomAD compares: Admixed American, 0.012%; no homozygotes.

Submissions (3):

Women's Health and Genetics/Laboratory Corporation of America, LabCorp
Classification: Uncertain significance. Last evaluated: 2026-04-03. Review status: criteria provided, single submitter. Criteria: LabCorp Variant Classification Summary - May 2015. Collection method: clinical testing. Allele origin: germline.
Comment: Variant summary: ZNF469 c.1679C>T (p.Pro560Leu) results in a non-conservative amino acid change in the encoded protein sequence. Algorithms developed to predict the effect of missense changes on protein structure and function are either unavailable or do not agree on the potential impact of this missense change. The variant allele was found at a frequency of 4.2e-05 in 143352 control chromosomes. The available data on variant occurrences in the general population are insufficient to allow any conclusion about variant significance. To our knowledge, no occurrence of c.1679C>T in individuals affected with ZNF469-related conditions and no experimental evidence demonstrating its impact on protein function have been reported. ClinVar contains an entry for this variant (Variation ID: 1916085). Based on the evidence outlined above, the variant was classified as uncertain significance.

Ambry Genetics
Classification: Uncertain significance for Cardiovascular phenotype. Last evaluated: 2022-12-04. Review status: criteria provided, single submitter. Criteria: Ambry Variant Classification Scheme 2023. Collection method: clinical testing. Allele origin: germline.
Comment: The p.P560L variant (also known as c.1679C>T), located in coding exon 1 of the ZNF469 gene, results from a C to T substitution at nucleotide position 1679. The proline at codon 560 is replaced by leucine, an amino acid with similar properties. This amino acid position is conserved. In addition, this alteration is predicted to be tolerated by in silico analysis. Since supporting evidence is limited at this time, the clinical significance of this alteration remains unclear.

Labcorp Genetics (formerly Invitae), Labcorp
Classification: Uncertain significance. Last evaluated: 2022-07-14. Review status: criteria provided, single submitter. Criteria: Invitae Variant Classification Sherloc (09022015). Collection method: clinical testing. Allele origin: germline.
Comment: This sequence change replaces proline, which is neutral and non-polar, with leucine, which is neutral and non-polar, at codon 560 of the ZNF469 protein (p.Pro560Leu). This variant is present in population databases (no rsID available, gnomAD 0.008%). This variant has not been reported in the literature in individuals affected with ZNF469-related conditions. Algorithms developed to predict the effect of missense changes on protein structure and function are either unavailable or do not agree on the potential impact of this missense change (SIFT: "Deleterious"; PolyPhen-2: "Probably Damaging"; Align-GVGD: "Class C0"). In summary, the available evidence is currently insufficient to determine the role of this variant in disease. Therefore, it has been classified as a Variant of Uncertain Significance.

NM_001367624.2(ZNF469):c.1679C>T (p.Pro560Leu)

Gene: ZNF469 (zinc finger protein 469; plus strand). Cytogenetic location: 16q24.2.
Variant type: single nucleotide variant.
Coding change: c.1679C>T on transcript NM_001367624.2 (MANE Select); coding-DNA position 1679, C replaced by T.
Protein change: p.Pro560Leu; replaces proline 560 with leucine.
Molecular consequence: missense variant.
Genome position (GRCh38, 1-based): chr16:88,429,149, C>T. VCF-style: chr16-88429149-C-T. GRCh37 (hg19) VCF-style: chr16-88495557-C-T.
Other names: NM_001127464.1:c.1679C>T; short protein forms P560L.
Identifiers: ClinVar variation 1916085 (VCV001916085.5), dbSNP rs1416189298, ClinGen allele CA397068058.